The following is an entry in ClinVar:

ClinVar aggregate classification (germline): Uncertain significance (1 of 4 stars; one submission).

Conditions:
Hereditary cancer-predisposing syndrome. Also called: Neoplastic Syndromes, Hereditary; Tumor predisposition; Hereditary neoplastic syndrome; Hereditary Cancer Syndrome. Identifiers: Orphanet 140162, MedGen C0027672, MeSH D009386, MONDO:0015356.

Submission:

Ambry Genetics
Classification: Uncertain significance for Hereditary cancer-predisposing syndrome. Last evaluated: 2023-12-05. Review status: criteria provided, single submitter. Criteria: Ambry Variant Classification Scheme 2023. Collection method: clinical testing. Allele origin: germline.
Comment: The p.F567Y variant (also known as c.1700T>A), located in coding exon 16 of the POLE gene, results from a T to A substitution at nucleotide position 1700. The phenylalanine at codon 567 is replaced by tyrosine, an amino acid with highly similar properties. This amino acid position is conserved. In addition, this alteration is predicted to be tolerated by in silico analysis. Since supporting evidence is limited at this time, the clinical significance of this alteration remains unclear.

NM_006231.4(POLE):c.1700T>A (p.Phe567Tyr)

Gene: POLE (DNA polymerase epsilon, catalytic subunit; minus strand). Cytogenetic location: 12q24.33.
Variant type: single nucleotide variant.
Coding change: c.1700T>A on transcript NM_006231.4 (MANE Select); coding-DNA position 1700, T replaced by A.
Protein change: p.Phe567Tyr; replaces phenylalanine 567 with tyrosine.
Molecular consequence: missense variant.
Genome position (GRCh38, 1-based): chr12:132,672,309, A>T on the plus strand (T>A on the coding strand, the complement: POLE is on the minus strand). VCF-style: chr12-132672309-A-T. GRCh37 (hg19) VCF-style: chr12-133248895-A-T.
Other names: short protein forms F567Y.
Identifiers: ClinVar variation 3225400 (VCV003225400.1), dbSNP rs2135991130, ClinGen allele CA387356400.